The following is an entry in ClinVar:

ClinVar aggregate classification (germline): Uncertain significance (1 of 4 stars; one submission).

Conditions:
Bloom syndrome (BLM). Also called: Bloom-Torre-Machacek syndrome. Identifiers: Orphanet 125, MedGen C0005859, MONDO:0008876, OMIM 210900.

Submission:

Labcorp Genetics (formerly Invitae), Labcorp
Classification: Uncertain significance for Bloom syndrome. Last evaluated: 2025-02-13. Review status: criteria provided, single submitter. Criteria: Invitae Variant Classification Sherloc (09022015). Collection method: clinical testing. Allele origin: germline.
Comment: This sequence change replaces asparagine, which is neutral and polar, with histidine, which is basic and polar, at codon 1112 of the BLM protein (p.Asn1112His). The frequency data for this variant in the population databases is considered unreliable, as metrics indicate poor data quality at this position in the gnomAD database. This variant has not been reported in the literature in individuals affected with BLM-related conditions. Invitae Evidence Modeling of protein sequence and biophysical properties (such as structural, functional, and spatial information, amino acid conservation, physicochemical variation, residue mobility, and thermodynamic stability) indicates that this missense variant is expected to disrupt BLM protein function with a positive predictive value of 80%. In summary, the available evidence is currently insufficient to determine the role of this variant in disease. Therefore, it has been classified as a Variant of Uncertain Significance.

NM_000057.4(BLM):c.3334A>C (p.Asn1112His)

Gene: BLM (BLM RecQ like helicase; plus strand). Cytogenetic location: 15q26.1.
Variant type: single nucleotide variant.
Coding change: c.3334A>C on transcript NM_000057.4 (MANE Select); coding-DNA position 3334, A replaced by C.
Protein change: p.Asn1112His; replaces asparagine 1112 with histidine.
Molecular consequence: missense variant.
Genome position (GRCh38, 1-based): chr15:90,798,313, A>C. VCF-style: chr15-90798313-A-C. GRCh37 (hg19) VCF-style: chr15-91341543-A-C.
Other names: c.3334A>C, p.Asn1112His (NM_001287246.2, NM_001287247.2); c.2209A>C, p.Asn737His (NM_001287248.2); short protein forms N737H, N1112H.
Identifiers: ClinVar variation 3712009 (VCV003712009.2).